The following is an entry in ClinVar:

NM_000081.4(LYST):c.192+1205G>C

Gene: LYST (lysosomal trafficking regulator; minus strand). Cytogenetic location: 1q42.3.
Variant type: single nucleotide variant.
Coding change: c.192+1205G>C on transcript NM_000081.4 (MANE Select); 1205 bases into the intron after coding-DNA position 192, G replaced by C.
Molecular consequence: intron variant. On other transcripts: non-coding transcript variant (1).
Genome position (GRCh38, 1-based): chr1:235,829,021, C>G on the plus strand (G>C on the coding strand, the complement: LYST is on the minus strand). VCF-style: chr1-235829021-C-G. GRCh37 (hg19) VCF-style: chr1-235992321-C-G.
Other names: c.192+1205G>C (NM_001301365.1).
Identifiers: ClinVar variation 3898502 (VCV003898502.7).
Genomic context (GRCh38, chr1:235,829,021, plus strand): 5'-TTGGGAGGCCAACGGGGGTAGACTGCTTGAGGTCAGGAGTTTAAGATCAGCTGGTCAACA[C>G]GGTGAAACCCCATCTCTACTGAAAATACAAAAATTCACTGGGTGTGGTGATGCACACTTG-3'

ClinVar aggregate classification (germline): Uncertain significance (1 of 4 stars; one submission).

Submission:

CeGaT Center for Human Genetics Tuebingen
Classification: Uncertain significance. Last evaluated: 2025-04-01. Review status: criteria provided, single submitter. Criteria: CeGaT Center For Human Genetics Tuebingen Variant Classification Criteria Version 2. Collection method: clinical testing. Allele origin: germline. Affected: yes. Observed: 1 variant allele.
Comment: LYST: PM2